The following is an entry in ClinVar:

NM_000277.3(PAH):c.1105C>G (p.Leu369Val)

Gene: PAH (phenylalanine hydroxylase; minus strand). Cytogenetic location: 12q23.2.
Variant type: single nucleotide variant.
Coding change: c.1105C>G on transcript NM_000277.3 (MANE Select); coding-DNA position 1105, C replaced by G.
Protein change: p.Leu369Val; replaces leucine 369 with valine.
Molecular consequence: missense variant.
Genome position (GRCh38, 1-based): chr12:102,843,740, G>C on the plus strand (C>G on the coding strand, the complement: PAH is on the minus strand). VCF-style: chr12-102843740-G-C. GRCh37 (hg19) VCF-style: chr12-103237518-G-C.
Other names: NM_000277.3:c.1105C>G; c.1105C>G, p.Leu369Val (NM_001354304.2); short protein forms L369V.
Identifiers: ClinVar variation 1327564 (VCV001327564.2), dbSNP rs2136635779, ClinGen allele CA16020941.

ClinVar aggregate classification (germline): Likely pathogenic. Review status: reviewed by expert panel (3 of 4 stars). 2 submissions from 2 submitters: Likely pathogenic (1). 1 of the submissions does not count toward it. Last evaluated 2020-01-21.

Conditions:
Phenylketonuria (PKU). Also called: Phenylketonuria (PKU); FOLLING DISEASE; OLIGOPHRENIA PHENYLPYRUVICA; Phenylketonurias. Identifiers: Orphanet 716, MedGen C0031485, MONDO:0009861, OMIM 261600. Disease mechanism: loss of function.

Submissions (2):

ClinGen PAH Variant Curation Expert Panel
Classification: Likely pathogenic for Phenylketonuria. Last evaluated: 2020-01-21. Review status: reviewed by expert panel. Criteria: ClinGen PAH ACMG Specifications v1. Collection method: curation. Allele origin: germline. Inheritance: Autosomal recessive inheritance.
Comment: The c.1105C>G (p.Leu369Val) variant in PAH has been reported in 2 individuals with mild HPA (BH4 deficiency excluded). (PP4_Moderate; PMID: 18299955). This variant is absent in population databases (PM2). This variant was detected with pathogenic variants p.T380M and p.V230I (Parental analysis not reported, PM3). Computational evidence is conflicting. In summary, this variant meets criteria to be classified as likely pathogenic for PAH. PAH-specific ACMG/AMP criteria applied: PP4_Moderate, PM2, PM3.

Baylor Genetics
Classification: Likely pathogenic for Phenylketonuria. Last evaluated: 2022-08-02. Review status: criteria provided, single submitter. Criteria: ACMG Guidelines, 2015. Collection method: clinical testing. Allele origin: unknown. Not counted in ClinVar's aggregate classification.